The following is an entry in ClinVar:

ClinVar aggregate classification (germline): Uncertain significance. Review status: criteria provided, multiple submitters, no conflicts (2 of 4 stars). 3 submissions from 3 submitters: Uncertain significance (3). Last evaluated 2026-04-07.

Conditions:
Cardiovascular phenotype. Identifiers: MedGen CN230736.
Dilated cardiomyopathy 1KK (CMD1KK). Identifiers: Orphanet 154, Orphanet 75249, MedGen C3714995, MONDO:0014100, OMIM 615248.
MYPN-related myopathy (CMYO24). Also called: Nemaline myopathy 11, autosomal recessive. Identifiers: MedGen C4479186, MONDO:0015023, OMIM 617336.

Allele frequency attached by ClinVar (database versions not stated): gnomAD exomes 0.00001; TOPMed below 0.00001; gnomAD 0.00001.
gnomAD v4.1: 10 of 1,614,142 alleles (0.00062%); highest among the groups gnomAD compares: Admixed American, 0.0033%; no homozygotes.

Submissions (3):

Ambry Genetics
Classification: Uncertain significance for Cardiovascular phenotype. Last evaluated: 2026-04-07. Review status: criteria provided, single submitter. Criteria: Ambry Variant Classification Scheme 2023. Collection method: clinical testing. Allele origin: germline.
Comment: The p.R822W variant (also known as c.2464C>T), located in coding exon 10 of the MYPN gene, results from a C to T substitution at nucleotide position 2464. The arginine at codon 822 is replaced by tryptophan, an amino acid with dissimilar properties. This amino acid position is not well conserved in available vertebrate species, and tryptophan is the reference amino acid in other vertebrate species. In addition, this alteration is predicted to be tolerated by in silico analysis. Since supporting evidence is limited at this time, the clinical significance of this alteration remains unclear.

Labcorp Genetics (formerly Invitae), Labcorp
Classification: Uncertain significance for Dilated cardiomyopathy 1KK. Last evaluated: 2024-02-17. Review status: criteria provided, single submitter. Criteria: Invitae Variant Classification Sherloc (09022015). Collection method: clinical testing. Allele origin: germline.
Comment: This sequence change replaces arginine, which is basic and polar, with tryptophan, which is neutral and slightly polar, at codon 822 of the MYPN protein (p.Arg822Trp). This variant is present in population databases (rs529221329, gnomAD 0.007%). This variant has not been reported in the literature in individuals affected with MYPN-related conditions. ClinVar contains an entry for this variant (Variation ID: 568155). An algorithm developed to predict the effect of missense changes on protein structure and function (PolyPhen-2) suggests that this variant¬†is likely to be tolerated. In summary, the available evidence is currently insufficient to determine the role of this variant in disease. Therefore, it has been classified as a Variant of Uncertain Significance.

Fulgent Genetics
Classification: Uncertain significance for Dilated cardiomyopathy 1KK; MYPN-related myopathy. Last evaluated: 2021-08-24. Review status: criteria provided, single submitter. Criteria: ACMG Guidelines, 2015. Collection method: clinical testing. Allele origin: unknown.

NM_032578.4(MYPN):c.2464C>T (p.Arg822Trp)

Gene: MYPN (myopalladin; plus strand). Cytogenetic location: 10q21.3.
Variant type: single nucleotide variant.
Coding change: c.2464C>T on transcript NM_032578.4 (MANE Select); coding-DNA position 2464, C replaced by T.
Protein change: p.Arg822Trp; replaces arginine 822 with tryptophan.
Molecular consequence: missense variant. On other transcripts: non-coding transcript variant (2).
Genome position (GRCh38, 1-based): chr10:68,174,556, C>T. VCF-style: chr10-68174556-C-T. GRCh37 (hg19) VCF-style: chr10-69934313-C-T.
Other names: c.2464C>T, p.Arg822Trp (NM_001256267.2); c.1582C>T, p.Arg528Trp (NM_001256268.2); c.2464C>T (NM_032578.2); short protein forms R822W, R528W.
Identifiers: ClinVar variation 568155 (VCV000568155.10), dbSNP rs529221329, ClinGen allele CA208204532.